The following is an entry in ClinVar:

ClinVar aggregate classification (germline): Uncertain significance. Review status: criteria provided, multiple submitters, no conflicts (2 of 4 stars). 2 submissions from 2 submitters: Uncertain significance (2). Last evaluated 2025-04-08.

Conditions:
Inborn genetic diseases. Identifiers: MedGen C0950123, MeSH D030342.

gnomAD v4.1: 11 of 1,614,036 alleles (0.00068%); highest among the groups gnomAD compares: Admixed American, 0.01%; no homozygotes.

Submissions (2):

Ambry Genetics
Classification: Uncertain significance for Inborn genetic diseases. Last evaluated: 2025-04-08. Review status: criteria provided, single submitter. Criteria: Ambry Variant Classification Scheme 2023. Collection method: clinical testing. Allele origin: germline.

Dasa
Classification: Uncertain significance. Last evaluated: 2025-03-31. Review status: criteria provided, single submitter. Criteria: DASA Assertion Criteria. Collection method: clinical testing. Allele origin: germline.
Comment: NM_005559.4(LAMA1):c.8080C>T (p.Pro2694Ser) is a missense variant that results in the substitution of proline with serine. This variant is rare in population databases. Computational prediction algorithms are consistent with a benign effect. The currently available literature and clinical evidence are not sufficient to establish a definitive association between this variant and the reported condition. Therefore, this variant is classified as a variant of uncertain significance.

NM_005559.4(LAMA1):c.8080C>T (p.Pro2694Ser)

Genes: LAMA1 (laminin subunit alpha 1; minus strand), LOC101927188 (uncharacterized LOC101927188; plus strand). Cytogenetic location: 18p11.31.
Variant type: single nucleotide variant.
Coding change: c.8080C>T on transcript NM_005559.4 (MANE Select); coding-DNA position 8080, C replaced by T.
Protein change: p.Pro2694Ser; replaces proline 2694 with serine.
Molecular consequence: missense variant. On other transcripts: non-coding transcript variant (1).
Genome position (GRCh38, 1-based): chr18:6,956,650, G>A on the plus strand (C>T on the coding strand, the complement: LAMA1 is on the minus strand). VCF-style: chr18-6956650-G-A. GRCh37 (hg19) VCF-style: chr18-6956649-G-A.
Other names: short protein forms P2694S.
Identifiers: ClinVar variation 4045811 (VCV004045811.3).